The following is an entry in ClinVar:

NM_201548.5(CERKL):c.386A>G (p.Glu129Gly)

Gene: CERKL (CERK like autophagy regulator; minus strand). Cytogenetic location: 2q31.3.
Variant type: single nucleotide variant.
Coding change: c.386A>G on transcript NM_201548.5 (MANE Select); coding-DNA position 386, A replaced by G.
Protein change: p.Glu129Gly; replaces glutamic acid 129 with glycine.
Molecular consequence: missense variant. On other transcripts: non-coding transcript variant (2).
Genome position (GRCh38, 1-based): chr2:181,603,932, T>C on the plus strand (A>G on the coding strand, the complement: CERKL is on the minus strand). VCF-style: chr2-181603932-T-C. GRCh37 (hg19) VCF-style: chr2-182468659-T-C.
Other names: c.386A>G, p.Glu129Gly (NM_001030311.3, NM_001030312.3, NM_001030313.3 and 1 more transcripts); short protein forms E129G.
Identifiers: ClinVar variation 1502208 (VCV001502208.8), dbSNP rs1685564242, ClinGen allele CA349730293.
Genomic context (GRCh38, chr2:181,603,932, plus strand): 5'-TCACAGTGGTCTTCACTTAAATTAATAAGATCAAGTGTAGAATTCTTTAGTTTATTTTGT[T>C]CCTTTTTCAAGCAGATGAAGAGTGTGATACCTAATAAAGTACCACTTCTCTGCTGTTTAA-3'
Protein context (NP_963842.1, residues 119-139): GITLFICLKK[Glu129Gly]QNKLKNSTLD

ClinVar aggregate classification (germline): Uncertain significance (1 of 4 stars; one submission).

Allele frequency attached by ClinVar (database versions not stated): TOPMed below 0.00001.
gnomAD v4.1: 1 of 1,613,336 alleles (0.000062%); no homozygotes.

Submission:

Labcorp Genetics (formerly Invitae), Labcorp
Classification: Uncertain significance. Last evaluated: 2022-07-19. Review status: criteria provided, single submitter. Criteria: Invitae Variant Classification Sherloc (09022015). Collection method: clinical testing. Allele origin: germline.
Comment: This variant has not been reported in the literature in individuals affected with CERKL-related conditions. In summary, the available evidence is currently insufficient to determine the role of this variant in disease. Therefore, it has been classified as a Variant of Uncertain Significance. Algorithms developed to predict the effect of missense changes on protein structure and function (SIFT, PolyPhen-2, Align-GVGD) all suggest that this variant is likely to be tolerated. ClinVar contains an entry for this variant (Variation ID: 1502208). This variant is not present in population databases (gnomAD no frequency). This sequence change replaces glutamic acid, which is acidic and polar, with glycine, which is neutral and non-polar, at codon 129 of the CERKL protein (p.Glu129Gly).